The following is an entry in ClinVar:

ClinVar aggregate classification (germline): Uncertain significance (1 of 4 stars; one submission).

gnomAD v4.1: 2 of 1,601,876 alleles (0.00012%); highest among the groups gnomAD compares: South Asian, 0.0011%; no homozygotes.

Submission:

GeneDx
Classification: Uncertain significance. Last evaluated: 2026-03-05. Review status: criteria provided, single submitter. Criteria: GeneDx Variant Classification Process June 2021. Collection method: clinical testing. Allele origin: germline.
Comment: Not observed at significant frequency in large population cohorts (gnomAD); In silico analysis suggests that this missense variant does not alter protein structure/function; Has not been previously published as pathogenic or benign to our knowledge

NM_001162501.2(TNRC6B):c.2788A>G (p.Thr930Ala)

Gene: TNRC6B (trinucleotide repeat containing adaptor 6B; plus strand). Cytogenetic location: 22q13.1.
Variant type: single nucleotide variant.
Coding change: c.2788A>G on transcript NM_001162501.2 (MANE Select); coding-DNA position 2788, A replaced by G.
Protein change: p.Thr930Ala; replaces threonine 930 with alanine.
Molecular consequence: missense variant. On other transcripts: intron variant (1).
Genome position (GRCh38, 1-based): chr22:40,267,018, A>G. VCF-style: chr22-40267018-A-G. GRCh37 (hg19) VCF-style: chr22-40663022-A-G.
Other names: c.2788A>G, p.Thr930Ala (NM_015088.3); c.566-3104A>G (NM_001024843.2); short protein forms T930A.
Identifiers: ClinVar variation 5008684 (VCV005008684.1).